The following is an entry in ClinVar:

ClinVar aggregate classification (germline): Likely pathogenic (1 of 4 stars; one submission).

Conditions:
Primary pulmonary hypertension. Also called: Idiopathic pulmonary hypertension. Identifiers: MedGen C0152171.

Submission:

Labcorp Genetics (formerly Invitae), Labcorp
Classification: Likely pathogenic for Primary pulmonary hypertension. Last evaluated: 2023-08-25. Review status: criteria provided, single submitter. Criteria: Invitae Variant Classification Sherloc (09022015). Collection method: clinical testing. Allele origin: unknown.
Comment: In summary, the currently available evidence indicates that the variant is pathogenic, but additional data are needed to prove that conclusively. Therefore, this variant has been classified as Likely Pathogenic. A similar copy number variant has been observed in individual(s) with pulmonary hypertension (Invitae). This variant results in a copy number gain of the genomic region encompassing exon(s) 5 of the BMPR2 gene. While the exact position of this variant cannot be determined from the data, sub-genic copy number gains are generally in tandem (PMID: 25640679). This variant is predicted to be out-of-frame, and may result in an absent or disrupted protein product. Loss-of-function variants in BMPR2 are known to be pathogenic (PMID: 16429395).

Literature cited by the submitters: PubMed 25640679; PubMed 16429395.

NC_000002.11:g.(?_203379591)_(203379722_?)dup

Gene: BMPR2 (bone morphogenetic protein receptor type 2; plus strand). Cytogenetic location: 2q33.2.
Variant type: Duplication.
Identifiers: ClinVar variation 3247140 (VCV003247140.1).